The following is an entry in ClinVar:

NM_144670.6(A2ML1):c.1651C>A (p.Gln551Lys)

Gene: A2ML1 (alpha-2-macroglobulin like 1; plus strand). Cytogenetic location: 12p13.31.
Variant type: single nucleotide variant.
Coding change: c.1651C>A on transcript NM_144670.6 (MANE Select); coding-DNA position 1651, C replaced by A.
Protein change: p.Gln551Lys; replaces glutamine 551 with lysine.
Molecular consequence: missense variant.
Genome position (GRCh38, 1-based): chr12:8,846,190, C>A. VCF-style: chr12-8846190-C-A. GRCh37 (hg19) VCF-style: chr12-8998786-C-A.
Other names: c.178C>A, p.Gln60Lys (NM_001282424.3); short protein forms Q551K, Q60K.
Identifiers: ClinVar variation 3229188 (VCV003229188.3), dbSNP rs1408443838, ClinGen allele CA383827698.
Genomic context (GRCh38, chr12:8,846,190, plus strand): 5'-GATCCTTCCCTGGTGATCTATGCCATTTTTCCCAGTGGAGGTGTTGTAGCTGACAAAATT[C>A]AGTTCTCAGTCGAGATGTGCTTTGACAATCAGGTAAAATGATAGCGGAGAAGGGTGAAGA-3'
Protein context (NP_653271.3, residues 541-561): PSGGVVADKI[Gln551Lys]FSVEMCFDNQ

ClinVar aggregate classification (germline): Uncertain significance. Review status: criteria provided, multiple submitters, no conflicts (2 of 4 stars). 2 submissions from 2 submitters: Uncertain significance (2). Last evaluated 2024-03-27.

Allele frequency attached by ClinVar (database versions not stated): TOPMed below 0.00001; gnomAD exomes 0.00001.
gnomAD v4.1: 5 of 1,614,128 alleles (0.00031%); highest among the groups gnomAD compares: Non-Finnish European, 0.00042%; no homozygotes.

Submissions (2):

Labcorp Genetics (formerly Invitae), Labcorp
Classification: Uncertain significance. Last evaluated: 2024-03-27. Review status: criteria provided, single submitter. Criteria: Invitae Variant Classification Sherloc (09022015). Collection method: clinical testing. Allele origin: germline.
Comment: This sequence change replaces glutamine, which is neutral and polar, with lysine, which is basic and polar, at codon 551 of the A2ML1 protein (p.Gln551Lys). This variant is present in population databases (no rsID available, gnomAD 0.0009%). This variant has not been reported in the literature in individuals affected with A2ML1-related conditions. Algorithms developed to predict the effect of missense changes on protein structure and function output the following: SIFT: "Not Available"; PolyPhen-2: "Benign"; Align-GVGD: "Not Available". The lysine amino acid residue is found in multiple mammalian species, which suggests that this missense change does not adversely affect protein function. In summary, the available evidence is currently insufficient to determine the role of this variant in disease. Therefore, it has been classified as a Variant of Uncertain Significance.

Ambry Genetics
Classification: Uncertain significance. Last evaluated: 2023-12-29. Review status: criteria provided, single submitter. Criteria: Ambry Variant Classification Scheme 2023. Collection method: clinical testing. Allele origin: germline.
Comment: The p.Q551K variant (also known as c.1651C>A), located in coding exon 14 of the A2ML1 gene, results from a C to A substitution at nucleotide position 1651. The glutamine at codon 551 is replaced by lysine, an amino acid with similar properties. This amino acid position is conserved. In addition, this alteration is predicted to be tolerated by in silico analysis. Since supporting evidence is limited at this time, the clinical significance of this alteration remains unclear.